The following is an entry in ClinVar:

ClinVar aggregate classification (germline): Conflicting classifications of pathogenicity. Review status: criteria provided, conflicting classifications (1 of 4 stars). 5 submissions from 5 submitters: Uncertain significance (2); Likely benign (3). Last evaluated 2025-02-13.

Conditions:
Autosomal recessive ataxia, Beauce type. Also called: Spinocerebellar ataxia, autosomal recessive 8; ATAXIA, RECESSIVE, OF BEAUCE; SYNE1 Deficiency; SYNE1-Related Autosomal Recessive Cerebellar Ataxia. Identifiers: Orphanet 88644, MedGen C1853116, MONDO:0012549, OMIM 610743.
Emery-Dreifuss muscular dystrophy 4, autosomal dominant (EDMD4). Also called: EMERY-DREIFUSS MUSCULAR DYSTROPHY 4 WITH VARIABLE FEATURES. Identifiers: Orphanet 261, MedGen C2751807, MONDO:0013071, OMIM 612998.

Allele frequency attached by ClinVar (database versions not stated): 1000 Genomes Project 0.00020; ESP Exome Variant Server 0.00062; gnomAD 0.00062 and 0.00068; TOPMed 0.00070; 1000 Genomes Project 30x 0.00016; ExAC 0.00017; gnomAD exomes 0.00017.
gnomAD v4.1: 161 of 1,614,236 alleles (0.01%); highest among the groups gnomAD compares: African/African-American, 0.17%; no homozygotes.

Submissions (5):

Athena Diagnostics
Classification: Likely benign. Last evaluated: 2025-02-13. Review status: criteria provided, single submitter. Criteria: Athena Diagnostics Criteria. Collection method: clinical testing. Allele origin: unknown.
Comment: The frequency of this variant in the general population is higher than would generally be expected for pathogenic variants in this gene. Computational tools predict this amino acid change may be benign.

Revvity Omics, Revvity
Classification: Likely benign. Last evaluated: 2025-01-22. Review status: criteria provided, single submitter. Criteria: ACMG Guidelines, 2015. Collection method: clinical testing. Allele origin: germline.

Labcorp Genetics (formerly Invitae), Labcorp
Classification: Likely benign for Emery-Dreifuss muscular dystrophy 4, autosomal dominant; Autosomal recessive ataxia, Beauce type. Last evaluated: 2024-10-23. Review status: criteria provided, single submitter. Criteria: Invitae Variant Classification Sherloc (09022015). Collection method: clinical testing. Allele origin: germline.

GeneDx
Classification: Uncertain significance. Last evaluated: 2023-01-09. Review status: criteria provided, single submitter. Criteria: GeneDx Variant Classification Process June 2021. Collection method: clinical testing. Allele origin: germline. Affected: yes.
Comment: In silico analysis supports that this missense variant does not alter protein structure/function; Has not been previously published as pathogenic or benign to our knowledge

Eurofins Ntd Llc (ga)
Classification: Uncertain significance. Last evaluated: 2016-01-19. Review status: criteria provided, single submitter. Criteria: EGL Classification Definitions 2015. Collection method: clinical testing. Allele origin: germline. Observed: 3 variant alleles, 3 heterozygotes.

NM_182961.4(SYNE1):c.24985A>G (p.Ser8329Gly)

Gene: SYNE1 (spectrin repeat containing nuclear envelope protein 1; minus strand). Cytogenetic location: 6q25.2.
Variant type: single nucleotide variant.
Coding change: c.24985A>G on transcript NM_182961.4 (MANE Select); coding-DNA position 24985, A replaced by G.
Protein change: p.Ser8329Gly; replaces serine 8329 with glycine.
Molecular consequence: missense variant.
Genome position (GRCh38, 1-based): chr6:152,143,757, T>C on the plus strand (A>G on the coding strand, the complement: SYNE1 is on the minus strand). VCF-style: chr6-152143757-T-C. GRCh37 (hg19) VCF-style: chr6-152464892-T-C.
Other names: c.1591A>G, p.Ser531Gly (NM_001347701.2); c.1519A>G, p.Ser507Gly (NM_001347702.2); c.24841A>G, p.Ser8281Gly (NM_033071.5); c.24985A>G (NM_182961.2); short protein forms S8281G, S8329G, S507G, S531G.
Identifiers: ClinVar variation 285811 (VCV000285811.21), dbSNP rs142690727, ClinGen allele CA4052981.